The following is an entry in ClinVar:

ClinVar aggregate classification (germline): Uncertain significance (1 of 4 stars; one submission).

Conditions:
Gastrointestinal stromal tumor. Also called: Gastrointestinal stromal tumor, somatic; Gastrointestinal stroma tumor. Identifiers: Orphanet 44890, MedGen C0238198, MeSH D046152, MONDO:0011719, OMIM 606764, HP:0100723.

Submission:

Labcorp Genetics (formerly Invitae), Labcorp
Classification: Uncertain significance for Gastrointestinal stromal tumor. Last evaluated: 2019-10-13. Review status: criteria provided, single submitter. Criteria: Invitae Variant Classification Sherloc (09022015). Collection method: clinical testing. Allele origin: germline.
Comment: This sequence change creates a premature translational stop signal (p.Gln736Cysfs*12) in the PDGFRA gene. It is expected to result in an absent or disrupted protein product. This variant is not present in population databases (ExAC no frequency). This variant has not been reported in the literature in individuals with PDGFRA-related conditions. The current clinical and genetic evidence is not sufficient to establish whether loss-of-function variants in PDGFRA cause disease. In summary, the available evidence is currently insufficient to determine the role of this variant in disease. Therefore, it has been classified as a Variant of Uncertain Significance.

NM_006206.6(PDGFRA):c.2204_2205insAT (p.Gln736fs)

Gene: PDGFRA (platelet derived growth factor receptor alpha; plus strand). Cytogenetic location: 4q12.
Variant type: Insertion.
Coding change: c.2204_2205insAT on transcript NM_006206.6 (MANE Select); coding-DNA positions 2204 to 2205, AT inserted.
Protein change: p.Gln736fs; shifts the reading frame from glutamine 736.
Molecular consequence: frameshift variant.
Genome position: GRCh38 VCF-style: chr4-54280363-A-AAT. GRCh37 (hg19) VCF-style: chr4-55146530-A-AAT.
Other names: c.2204_2205insAT, p.Gln736fs (NM_001347827.2, NM_001347829.2); c.2279_2280insAT, p.Gln761fs (NM_001347828.2); c.2243_2244insAT, p.Gln749fs (NM_001347830.2); short protein forms Q736fs, Q749fs, Q761fs.
Identifiers: ClinVar variation 966872 (VCV000966872.8), dbSNP rs1724004184, ClinGen allele CA1139658502.